The following is an entry in ClinVar:

ClinVar aggregate classification (germline): Uncertain significance (1 of 4 stars; one submission).

Conditions:
Hereditary cancer-predisposing syndrome. Also called: Hereditary Cancer Syndrome; Hereditary neoplastic syndrome; Neoplastic Syndromes, Hereditary; Tumor predisposition. Identifiers: Orphanet 140162, MedGen C0027672, MeSH D009386, MONDO:0015356.

Submission:

Ambry Genetics
Classification: Uncertain significance for Hereditary cancer-predisposing syndrome. Last evaluated: 2022-06-14. Review status: criteria provided, single submitter. Criteria: Ambry Variant Classification Scheme 2023. Collection method: clinical testing. Allele origin: germline.
Comment: The p.Q1500L variant (also known as c.4499A>T), located in coding exon 29 of the ATM gene, results from an A to T substitution at nucleotide position 4499. The glutamine at codon 1500 is replaced by leucine, an amino acid with dissimilar properties. This amino acid position is conserved. In addition, this alteration is predicted to be tolerated by in silico analysis. Since supporting evidence is limited at this time, the clinical significance of this alteration remains unclear.

NM_000051.4(ATM):c.4499A>T (p.Gln1500Leu)

Gene: ATM (ATM serine/threonine kinase; plus strand). Cytogenetic location: 11q22.3.
Variant type: single nucleotide variant.
Coding change: c.4499A>T on transcript NM_000051.4 (MANE Select); coding-DNA position 4499, A replaced by T.
Protein change: p.Gln1500Leu; replaces glutamine 1500 with leucine.
Molecular consequence: missense variant.
Genome position (GRCh38, 1-based): chr11:108,292,681, A>T. VCF-style: chr11-108292681-A-T. GRCh37 (hg19) VCF-style: chr11-108163408-A-T.
Other names: c.4499A>T, p.Gln1500Leu (NM_001351834.2); short protein forms Q1500L.
Identifiers: ClinVar variation 1741007 (VCV001741007.2), dbSNP rs786203789, ClinGen allele CA382533468.